The following is an entry in ClinVar:

ClinVar aggregate classification (germline): Pathogenic (1 of 4 stars; one submission).

Conditions:
Hereditary spastic paraplegia 7 (SPG7). Also called: Spastic paraplegia 7; Hereditary spastic paraplegia Paraplegin type; Autosomal recessive spastic paraplegia type 7; SPASTIC PARAPLEGIA 7, AUTOSOMAL RECESSIVE, WITH OR WITHOUT CEREBELLAR ATAXIA; SPG7-related neurologic disorder. Identifiers: Orphanet 99013, MedGen C1846564, MONDO:0011803, OMIM 607259.

Submission:

3billion
Classification: Pathogenic for Hereditary spastic paraplegia 7. Last evaluated: 2024-03-08. Review status: criteria provided, single submitter. Criteria: ACMG Guidelines, 2015. Collection method: clinical testing. Allele origin: germline. Affected: yes.
Comment: The variant is not observed in the gnomAD v2.1.1 dataset. Predicted Consequence/Location: Frameshift: predicted to result in a loss or disruption of normal protein function through nonsense-mediated decay (NMD) or protein truncation. Multiple pathogenic variants are reported downstream of the variant. The variant has been reported to be associated with SPG7 related disorder (PMID: 30497413). Therefore, this variant is classified as Pathogenic according to the recommendation of ACMG/AMP guideline.

Literature cited by the submitters: PubMed 30497413.

NM_003119.4(SPG7):c.1150_1150+1insCTAC

Gene: SPG7 (SPG7 matrix AAA peptidase subunit, paraplegin; plus strand). Cytogenetic location: 16q24.3.
Variant type: Insertion.
Coding change: c.1150_1150+1insCTAC on transcript NM_003119.4 (MANE Select); coding-DNA position 1150 through the canonical splice donor site of the intron after coding-DNA position 1150, CTAC inserted.
Molecular consequence: splice donor variant.
Genome position: GRCh38 VCF-style: chr16-89532066-G-GCTAC. GRCh37 (hg19) VCF-style: chr16-89598474-G-GCTAC.
Other names: c.1150_1150+1insCTAC (NM_001363850.1, NM_199367.3).
Identifiers: ClinVar variation 3775989 (VCV003775989.1).